The following is an entry in ClinVar:

NM_014738.6(TMEM94):c.253G>A (p.Gly85Arg)

Gene: TMEM94 (transmembrane protein 94; plus strand). Cytogenetic location: 17q25.1.
Variant type: single nucleotide variant.
Coding change: c.253G>A on transcript NM_014738.6 (MANE Select); coding-DNA position 253, G replaced by A.
Protein change: p.Gly85Arg; replaces glycine 85 with arginine.
Molecular consequence: missense variant.
Genome position (GRCh38, 1-based): chr17:75,485,979, G>A. VCF-style: chr17-75485979-G-A. GRCh37 (hg19) VCF-style: chr17-73482060-G-A.
Other names: c.283G>A, p.Gly95Arg (NM_001321148.2, NM_001351203.2); c.253G>A, p.Gly85Arg (NM_001321149.2, NM_001351202.2); c.253G>A (NM_014738.5); short protein forms G95R, G85R.
Identifiers: ClinVar variation 2343861 (VCV002343861.4), dbSNP rs141282100, ClinGen allele CA8761377.

ClinVar aggregate classification (germline): Benign. Review status: criteria provided, single submitter (1 of 4 stars). 2 submissions from 2 submitters: Benign (1). 1 of the submissions does not count toward it. Last evaluated 2022-05-09.

Conditions:
Inborn genetic diseases. Identifiers: MedGen C0950123, MeSH D030342.
TMEM94-related disorder. Also called: TMEM94-related condition.

Allele frequency attached by ClinVar (database versions not stated): ESP Exome Variant Server 0.00023; ExAC 0.00058; TOPMed 0.00059; gnomAD 0.00060.
gnomAD v4.1: 738 of 1,611,744 alleles (0.046%); highest among the groups gnomAD compares: Admixed American, 0.017%; 7 homozygotes.

Submissions (2):

Ambry Genetics
Classification: Benign for Inborn genetic diseases. Last evaluated: 2022-05-09. Review status: criteria provided, single submitter. Criteria: Ambry Variant Classification Scheme 2023. Collection method: clinical testing. Allele origin: germline.

PreventionGenetics, part of Exact Sciences
Classification: Benign for TMEM94-related condition. Last evaluated: 2019-09-18. Review status: no assertion criteria provided. Collection method: clinical testing. Allele origin: germline. Not counted in ClinVar's aggregate classification.
Comment: This variant is classified as benign based on ACMG/AMP sequence variant interpretation guidelines (Richards et al. 2015 PMID: 25741868, with internal and published modifications).